The following is an entry in ClinVar:

NM_031935.3(HMCN1):c.5474C>T (p.Pro1825Leu)

Gene: HMCN1 (hemicentin 1; plus strand). Cytogenetic location: 1q31.1.
Variant type: single nucleotide variant.
Coding change: c.5474C>T on transcript NM_031935.3 (MANE Select); coding-DNA position 5474, C replaced by T.
Protein change: p.Pro1825Leu; replaces proline 1825 with leucine.
Molecular consequence: missense variant.
Genome position (GRCh38, 1-based): chr1:186,019,544, C>T. VCF-style: chr1-186019544-C-T. GRCh37 (hg19) VCF-style: chr1-185988676-C-T.
Other names: short protein forms P1825L.
Identifiers: ClinVar variation 4771380 (VCV004771380.1).

ClinVar aggregate classification (germline): Uncertain significance (1 of 4 stars; one submission).

gnomAD v4.1: 6 of 1,608,318 alleles (0.00037%); highest among the groups gnomAD compares: African/African-American, 0.0013%; no homozygotes.

Submission:

Labcorp Genetics (formerly Invitae), Labcorp
Classification: Uncertain significance. Last evaluated: 2025-06-24. Review status: criteria provided, single submitter. Criteria: Invitae Variant Classification Sherloc (09022015). Collection method: clinical testing. Allele origin: germline.
Comment: This sequence change replaces proline, which is neutral and non-polar, with leucine, which is neutral and non-polar, at codon 1825 of the HMCN1 protein (p.Pro1825Leu). This variant is present in population databases (no rsID available, gnomAD 0.0009%). This missense change has been observed in individual(s) with HMCN1-related conditions (PMID: 37734845). An algorithm developed to predict the effect of missense changes on protein structure and function (PolyPhen-2) suggests that this variant is likely to be disruptive. In summary, the available evidence is currently insufficient to determine the role of this variant in disease. Therefore, it has been classified as a Variant of Uncertain Significance.

Literature cited by the submitters: PubMed 37734845.